The following is an entry in ClinVar:

ClinVar aggregate classification (germline): Uncertain significance (1 of 4 stars; one submission).

Conditions:
Muscular dystrophy-dystroglycanopathy (congenital with brain and eye anomalies), type a, 11 (MDDGA11). Also called: Muscular dystrophy-dystroglycanopathy (congenital with brain and eye anomalies, type A, 11; Congenital muscular dystrophy-dystroglycanopathy with brain and eye anomalies, type A11; WALKER-WARBURG SYNDROME OR MUSCLE-EYE-BRAIN DISEASE, B3GALNT2-RELATED. Identifiers: Orphanet 588, Orphanet 899, MedGen C3554638, MONDO:0014071, OMIM 615181.

Allele frequency attached by ClinVar (database versions not stated): TOPMed below 0.00001; gnomAD 0.00001; gnomAD exomes 0.00001.
gnomAD v4.1: 20 of 1,613,798 alleles (0.0012%); highest among the groups gnomAD compares: Non-Finnish European, 0.0016%; no homozygotes.

Submission:

Labcorp Genetics (formerly Invitae), Labcorp
Classification: Uncertain significance for Muscular dystrophy-dystroglycanopathy (congenital with brain and eye anomalies), type a, 11. Last evaluated: 2025-01-06. Review status: criteria provided, single submitter. Criteria: Invitae Variant Classification Sherloc (09022015). Collection method: clinical testing. Allele origin: germline.
Comment: This sequence change replaces serine, which is neutral and polar, with glycine, which is neutral and non-polar, at codon 458 of the B3GALNT2 protein (p.Ser458Gly). This variant is not present in population databases (gnomAD no frequency). This variant has not been reported in the literature in individuals affected with B3GALNT2-related conditions. ClinVar contains an entry for this variant (Variation ID: 1495834). Invitae Evidence Modeling of protein sequence and biophysical properties (such as structural, functional, and spatial information, amino acid conservation, physicochemical variation, residue mobility, and thermodynamic stability) indicates that this missense variant is not expected to disrupt B3GALNT2 protein function with a negative predictive value of 80%. In summary, the available evidence is currently insufficient to determine the role of this variant in disease. Therefore, it has been classified as a Variant of Uncertain Significance.

NM_152490.5(B3GALNT2):c.1372A>G (p.Ser458Gly)

Genes: B3GALNT2 (beta-1,3-N-acetylgalactosaminyltransferase 2; minus strand), TBCE (tubulin folding cofactor E; plus strand). Cytogenetic location: 1q42.3.
Variant type: single nucleotide variant.
Coding change: c.1372A>G on transcript NM_152490.5 (MANE Select); coding-DNA position 1372, A replaced by G.
Protein change: p.Ser458Gly; replaces serine 458 with glycine.
Molecular consequence: missense variant. On other transcripts: 3 prime UTR variant (4).
Genome position (GRCh38, 1-based): chr1:235,450,337, T>C on the plus strand (A>G on the coding strand, the complement: B3GALNT2 is on the minus strand). VCF-style: chr1-235450337-T-C. GRCh37 (hg19) VCF-style: chr1-235613652-T-C.
Other names: c.*1575T>C (NM_001079515.3, NM_001287801.2, NM_001287802.2 and 1 more transcripts); short protein forms S458G.
Identifiers: ClinVar variation 1495834 (VCV001495834.6), dbSNP rs1344429713, ClinGen allele CA344954513.